The following is an entry in ClinVar:

NM_000038.6(APC):c.4937G>A (p.Gly1646Glu)

Gene: APC (APC regulator of Wnt signaling pathway; plus strand). Cytogenetic location: 5q22.2.
Variant type: single nucleotide variant.
Coding change: c.4937G>A on transcript NM_000038.6 (MANE Select); coding-DNA position 4937, G replaced by A.
Protein change: p.Gly1646Glu; replaces glycine 1646 with glutamic acid.
Molecular consequence: missense variant. On other transcripts: non-coding transcript variant (2).
Genome position (GRCh38, 1-based): chr5:112,840,531, G>A. VCF-style: chr5-112840531-G-A. GRCh37 (hg19) VCF-style: chr5-112176228-G-A.
Other names: c.4937G>A, p.Gly1646Glu (NM_001127510.3, NM_001354895.2, NM_001407450.1); c.4883G>A, p.Gly1628Glu (NM_001127511.3); c.4991G>A, p.Gly1664Glu (NM_001354896.2, NM_001407447.1, NM_001407448.1 and 1 more transcripts); c.4967G>A, p.Gly1656Glu (NM_001354897.2); c.4862G>A, p.Gly1621Glu (NM_001354898.2); c.4853G>A, p.Gly1618Glu (NM_001354899.2); c.4814G>A, p.Gly1605Glu (NM_001354900.2); c.4760G>A, p.Gly1587Glu (NM_001354901.2, NM_001407453.1); and 11 more; short protein forms G1646E, G1674E, G1555E, G1621E, G1636E, G1262E, G1486E, G1517E.
Identifiers: ClinVar variation 3881159 (VCV003881159.1).

ClinVar aggregate classification (germline): Uncertain significance (1 of 4 stars; one submission).

Conditions:
Hereditary cancer-predisposing syndrome. Also called: Tumor predisposition; Neoplastic Syndromes, Hereditary; Hereditary Cancer Syndrome; Hereditary neoplastic syndrome. Identifiers: Orphanet 140162, MedGen C0027672, MeSH D009386, MONDO:0015356.

gnomAD v4.1: 1 of 1,614,066 alleles (0.000062%); highest among the groups gnomAD compares: Non-Finnish European, 0.000085%; no homozygotes.

Submission:

Ambry Genetics
Classification: Uncertain significance for Hereditary cancer-predisposing syndrome. Last evaluated: 2024-12-12. Review status: criteria provided, single submitter. Criteria: Ambry Variant Classification Scheme 2023. Collection method: clinical testing. Allele origin: germline.
Comment: The p.G1646E variant (also known as c.4937G>A), located in coding exon 15 of the APC gene, results from a G to A substitution at nucleotide position 4937. The glycine at codon 1646 is replaced by glutamic acid, an amino acid with similar properties. This amino acid position is conserved. In addition, in silico predictors for this gene do not accurately predict pathogenicity. Based on the available evidence, the clinical significance of this variant remains unclear.